The following is an entry in ClinVar:

ClinVar aggregate classification (germline): Benign (1 of 4 stars; one submission).

Allele frequency attached by ClinVar (database versions not stated): gnomAD 0.06973 and 0.07480; 1000 Genomes Project 0.07788; TOPMed 0.07865; 1000 Genomes Project 30x 0.08401.
gnomAD v4.1: 10,451 of 151,398 alleles (6.9%); highest among the groups gnomAD compares: African/African-American, 24%; 1,187 homozygotes.

Submission:

GeneDx
Classification: Benign. Last evaluated: 2018-06-18. Review status: criteria provided, single submitter. Criteria: GeneDx Variant Classification (06012015). Collection method: clinical testing. Allele origin: germline. Affected: yes.
Comment: This variant is considered likely benign or benign based on one or more of the following criteria: it is a conservative change, it occurs at a poorly conserved position in the protein, it is predicted to be benign by multiple in silico algorithms, and/or has population frequency not consistent with disease.

NM_002755.4(MAP2K1):c.517-311C>A

Gene: MAP2K1 (mitogen-activated protein kinase kinase 1; plus strand). Cytogenetic location: 15q22.31.
Variant type: single nucleotide variant.
Coding change: c.517-311C>A on transcript NM_002755.4 (MANE Select); 311 bases into the intron before coding-DNA position 517, C replaced by A.
Molecular consequence: intron variant.
Genome position (GRCh38, 1-based): chr15:66,444,345, C>A. VCF-style: chr15-66444345-C-A. GRCh37 (hg19) VCF-style: chr15-66736683-C-A.
Identifiers: ClinVar variation 561816 (VCV000561816.1), dbSNP rs112381615, ClinGen allele CA271648502.